The following is an entry in ClinVar:

ClinVar aggregate classification (germline): Uncertain significance (1 of 4 stars; one submission).

Allele frequency attached by ClinVar (database versions not stated): gnomAD exomes below 0.00001 and 0.00001; TOPMed 0.00001; ExAC 0.00002; gnomAD 0.00002 and 0.00003.
gnomAD v4.1: 5 of 1,613,886 alleles (0.00031%); highest among the groups gnomAD compares: African/African-American, 0.0053%; no homozygotes.

Submission:

GeneDx
Classification: Uncertain significance. Last evaluated: 2022-03-30. Review status: criteria provided, single submitter. Criteria: GeneDx Variant Classification Process June 2021. Collection method: clinical testing. Allele origin: germline. Affected: yes.
Comment: Has not been previously published as pathogenic or benign to our knowledge; In silico analysis supports that this missense variant has a deleterious effect on protein structure/function

NM_006015.6(ARID1A):c.3158G>A (p.Arg1053His)

Gene: ARID1A (AT-rich interaction domain 1A; plus strand). Cytogenetic location: 1p36.11.
Variant type: single nucleotide variant.
Coding change: c.3158G>A on transcript NM_006015.6 (MANE Select); coding-DNA position 3158, G replaced by A.
Protein change: p.Arg1053His; replaces arginine 1053 with histidine.
Molecular consequence: missense variant.
Genome position (GRCh38, 1-based): chr1:26,767,959, G>A. VCF-style: chr1-26767959-G-A. GRCh37 (hg19) VCF-style: chr1-27094450-G-A.
Other names: c.3158G>A, p.Arg1053His (NM_139135.4); short protein forms R1053H.
Identifiers: ClinVar variation 1676893 (VCV001676893.2), dbSNP rs779484265, ClinGen allele CA707152.
Genomic context (GRCh38, chr1:26,767,959, plus strand): 5'-AGAAGGCCATGGGCATGACAAATCTGCCTGCTGTGGGTAGGAAACCTCTGGACCTCTATC[G>A]CCTCTATGTGTCTGTGAAGGAGATTGGTGGATTGACTCAGGTGAGTGGGCGCCTGACACT-3'
Protein context (NP_006006.3, residues 1043-1063): AVGRKPLDLY[Arg1053His]LYVSVKEIGG